The following is an entry in ClinVar:

ClinVar aggregate classification (germline): Pathogenic (1 of 4 stars; one submission).

Conditions:
Hereditary hemorrhagic telangiectasia (HHT). Also called: ORW DISEASE; Osler Weber Rendu syndrome; OSLER-RENDU-WEBER DISEASE; Osler hemorrhagic telangiectasia syndrome. Identifiers: Orphanet 774, MedGen C0039445, MONDO:0019180. Disease mechanism: loss of function.

Submission:

Labcorp Genetics (formerly Invitae), Labcorp
Classification: Pathogenic for Hereditary hemorrhagic telangiectasia. Last evaluated: 2024-08-08. Review status: criteria provided, single submitter. Criteria: Invitae Variant Classification Sherloc (09022015). Collection method: clinical testing. Allele origin: germline.
Comment: This sequence change falls in intron 1 of the ENG gene. It does not directly change the encoded amino acid sequence of the ENG protein. This variant is not present in population databases (gnomAD no frequency). This variant has been observed in individual(s) with clinical features of hereditary hemorrhagic telangiectasia (PMID: 16752392; Invitae). ClinVar contains an entry for this variant (Variation ID: 1517501). Algorithms developed to predict the effect of sequence changes on RNA splicing suggest that this variant may disrupt the consensus splice site. For these reasons, this variant has been classified as Pathogenic.

Literature cited by the submitters: PubMed 16752392.

NM_001114753.3(ENG):c.68-18C>A

Gene: ENG (endoglin; minus strand). Cytogenetic location: 9q34.11.
Variant type: single nucleotide variant.
Coding change: c.68-18C>A on transcript NM_001114753.3 (MANE Select); 18 bases into the intron before coding-DNA position 68, C replaced by A.
Molecular consequence: intron variant.
Genome position (GRCh38, 1-based): chr9:127,843,263, G>T on the plus strand (C>A on the coding strand, the complement: ENG is on the minus strand). VCF-style: chr9-127843263-G-T. GRCh37 (hg19) VCF-style: chr9-130605542-G-T.
Other names: c.68-18C>A (NM_000118.4, NM_001406715.1); c.-479-18C>A (NM_001278138.2).
Identifiers: ClinVar variation 1517501 (VCV001517501.9), dbSNP rs372807542, ClinGen allele CA2573143979.